The following is an entry in ClinVar:

ClinVar aggregate classification (germline): Conflicting classifications of pathogenicity. Review status: criteria provided, conflicting classifications (1 of 4 stars). 2 submissions from 2 submitters: Uncertain significance (1); Likely benign (1). Last evaluated 2025-12-06.

Conditions:
Immunodeficiency 14 (IMD14A). Also called: IMMUNODEFICIENCY 14A WITH LYMPHOPROLIFERATION, AUTOSOMAL DOMINANT; Activated PI3K Delta Syndrome Type 1 (APDS1); p110-DELTA-ACTIVATING MUTATION CAUSING SENESCENT T CELLS, LYMPHADENOPATHY, AND IMMUNODEFICIENCY; ACTIVATED PI3K-DELTA SYNDROME 1. Identifiers: Orphanet 397596, Orphanet 693661, MedGen C5907821, MONDO:0014222, OMIM 615513.

Allele frequency attached by ClinVar (database versions not stated): gnomAD 0.00003; gnomAD exomes 0.00003; ExAC 0.00006; 1000 Genomes Project 30x 0.00016; 1000 Genomes Project 0.00020.

Submissions (2):

Labcorp Genetics (formerly Invitae), Labcorp
Classification: Uncertain significance for Activated PI3K-delta syndrome. Last evaluated: 2025-12-06. Review status: criteria provided, single submitter. Criteria: Invitae Variant Classification Sherloc (09022015). Collection method: clinical testing. Allele origin: germline.
Comment: This sequence change replaces arginine, which is basic and polar, with histidine, which is basic and polar, at codon 821 of the PIK3CD protein (p.Arg821His). This variant is present in population databases (rs573872848, gnomAD 0.02%). This variant has not been reported in the literature in individuals affected with PIK3CD-related conditions. ClinVar contains an entry for this variant (Variation ID: 2194578). Invitae Evidence Modeling of protein sequence and biophysical properties (such as structural, functional, and spatial information, amino acid conservation, physicochemical variation, residue mobility, and thermodynamic stability) indicates that this missense variant is not expected to disrupt PIK3CD protein function with a negative predictive value of 80%. Experimental studies have shown that this missense change affects PIK3CD function (PMID: 31537641). In summary, the available evidence is currently insufficient to determine the role of this variant in disease. Therefore, it has been classified as a Variant of Uncertain Significance.

Blueprint Genetics
Classification: Likely benign. Last evaluated: 2022-09-02. Review status: criteria provided, single submitter. Criteria: ACMG Guidelines, 2015. Collection method: clinical testing. Allele origin: germline.

Literature cited by the submitters: PubMed 31537641 (cited by Labcorp Genetics (formerly Invitae), Labcorp).

NM_005026.5(PIK3CD):c.2462G>A (p.Arg821His)

Gene: PIK3CD (phosphatidylinositol-4,5-bisphosphate 3-kinase catalytic subunit delta; plus strand). Cytogenetic location: 1p36.22.
Variant type: single nucleotide variant.
Coding change: c.2462G>A on transcript NM_005026.5 (MANE Select); coding-DNA position 2462, G replaced by A.
Protein change: p.Arg821His; replaces arginine 821 with histidine.
Molecular consequence: missense variant.
Genome position (GRCh38, 1-based): chr1:9,723,160, G>A. VCF-style: chr1-9723160-G-A. GRCh37 (hg19) VCF-style: chr1-9783218-G-A.
Other names: c.2459G>A, p.Arg820His (NM_001350234.2); c.2375G>A, p.Arg792His (NM_001350235.1); short protein forms R792H, R820H, R821H.
Identifiers: ClinVar variation 2194578 (VCV002194578.5), dbSNP rs573872848, ClinGen allele CA577556.